The following is an entry in ClinVar:

ClinVar aggregate classification (germline): Uncertain significance (1 of 4 stars; one submission).

Submission:

Ambry Genetics
Classification: Uncertain significance. Last evaluated: 2024-09-02. Review status: criteria provided, single submitter. Criteria: Ambry Variant Classification Scheme 2023. Collection method: clinical testing. Allele origin: germline.
Comment: The p.E1680A variant (also known as c.5039A>C), located in coding exon 16 of the POLQ gene, results from an A to C substitution at nucleotide position 5039. The glutamic acid at codon 1680 is replaced by alanine, an amino acid with dissimilar properties. This amino acid position is conserved. In addition, this alteration is predicted to be tolerated by in silico analysis. Based on the available evidence, the clinical significance of this variant remains unclear.

NM_199420.4(POLQ):c.5039A>C (p.Glu1680Ala)

Gene: POLQ (DNA polymerase theta; minus strand). Cytogenetic location: 3q13.33.
Variant type: single nucleotide variant.
Coding change: c.5039A>C on transcript NM_199420.4 (MANE Select); coding-DNA position 5039, A replaced by C.
Protein change: p.Glu1680Ala; replaces glutamic acid 1680 with alanine.
Molecular consequence: missense variant.
Genome position (GRCh38, 1-based): chr3:121,487,892, T>G on the plus strand (A>C on the coding strand, the complement: POLQ is on the minus strand). VCF-style: chr3-121487892-T-G. GRCh37 (hg19) VCF-style: chr3-121206739-T-G.
Other names: short protein forms E1680A.
Identifiers: ClinVar variation 3422527 (VCV003422527.1).